The following is an entry in ClinVar:

NM_000179.3(MSH6):c.259A>T (p.Ser87Cys)

Genes: MSH6 (mutS homolog 6; plus strand), LOC129933707 (ATAC-STARR-seq lymphoblastoid silent region 11468; plus strand). Cytogenetic location: 2p16.3.
Variant type: single nucleotide variant.
Coding change: c.259A>T on transcript NM_000179.3 (MANE Select); coding-DNA position 259, A replaced by T.
Protein change: p.Ser87Cys; replaces serine 87 with cysteine.
Molecular consequence: missense variant. On other transcripts: 5 prime UTR variant (1), intron variant (1).
Genome position (GRCh38, 1-based): chr2:47,783,492, A>T. VCF-style: chr2-47783492-A-T. GRCh37 (hg19) VCF-style: chr2-48010631-A-T.
Other names: c.-478A>T (NM_001281493.2); c.237+22A>T (NM_001281492.2); short protein forms S87C.
Identifiers: ClinVar variation 419538 (VCV000419538.10), dbSNP rs1064793939, ClinGen allele CA16617622.
Genomic context (GRCh38, chr2:47,783,492, plus strand): 5'-CCCAAGGCGAAGAACCTCAACGGAGGGCTGCGGAGATCGGTAGCGCCTGCTGCCCCCACC[A>T]GGTAGCGGGGTGGGGGTGGGGTCGAAGGCGGGGGCATAGCGGCGGGGCGCTTGGAACCCG-3'
Protein context (NP_000170.1, residues 77-97): RRSVAPAAPT[Ser87Cys]CDFSPGDLVW

ClinVar aggregate classification (germline): Conflicting classifications of pathogenicity. Review status: criteria provided, conflicting classifications (1 of 4 stars). 4 submissions from 4 submitters: Likely pathogenic (1); Uncertain significance (3). Last evaluated 2026-08-20.

Conditions:
Hereditary nonpolyposis colorectal neoplasms. Identifiers: MedGen C0009405, MeSH D003123.
Hereditary cancer-predisposing syndrome. Also called: Hereditary Cancer Syndrome; Hereditary neoplastic syndrome; Neoplastic Syndromes, Hereditary; Tumor predisposition. Identifiers: Orphanet 140162, MedGen C0027672, MeSH D009386, MONDO:0015356.
Lynch syndrome 5 (LYNCH5). Also called: Colorectal cancer, hereditary nonpolyposis, type 5; Hereditary non-polyposis colorectal cancer, type 5. Identifiers: Orphanet 144, MedGen C1833477, MONDO:0013710, OMIM 614350. Disease mechanism: loss of function.

Submissions (4):

Myriad Genetics, Inc.
Classification: Likely pathogenic for Lynch syndrome 5. Last evaluated: 2026-08-20. Review status: criteria provided, single submitter. Criteria: Myriad Autosomal Dominant, Autosomal Recessive and X-Linked Classification Criteria (2023). Collection method: clinical testing. Allele origin: unknown.
Comment: This variant is considered likely pathogenic. mRNA analysis has demonstrated abnormal mRNA splicing occurs [Myriad internal data].

Ambry Genetics
Classification: Uncertain significance for Hereditary cancer-predisposing syndrome. Last evaluated: 2025-06-09. Review status: criteria provided, single submitter. Criteria: Ambry Variant Classification Scheme 2023. Collection method: clinical testing. Allele origin: germline.
Comment: The p.S87C variant (also known as c.259A>T), located in coding exon 1 of the MSH6 gene, results from an A to T substitution at nucleotide position 259. The serine at codon 87 is replaced by cysteine, an amino acid with dissimilar properties. This amino acid position is highly conserved in available vertebrate species. In addition, this alteration is predicted to be tolerated by in silico analysis. Based on the available evidence, the clinical significance of this variant remains unclear.

Labcorp Genetics (formerly Invitae), Labcorp
Classification: Uncertain significance for Hereditary nonpolyposis colorectal neoplasms. Last evaluated: 2022-03-05. Review status: criteria provided, single submitter. Criteria: Invitae Variant Classification Sherloc (09022015). Collection method: clinical testing. Allele origin: germline.
Comment: This sequence change replaces serine, which is neutral and polar, with cysteine, which is neutral and slightly polar, at codon 87 of the MSH6 protein (p.Ser87Cys). This variant is not present in population databases (gnomAD no frequency). This variant has not been reported in the literature in individuals affected with MSH6-related conditions. ClinVar contains an entry for this variant (Variation ID: 419538). Algorithms developed to predict the effect of missense changes on protein structure and function (SIFT, PolyPhen-2, Align-GVGD) all suggest that this variant is likely to be tolerated. Algorithms developed to predict the effect of sequence changes on RNA splicing suggest that this variant may disrupt the consensus splice site. In summary, the available evidence is currently insufficient to determine the role of this variant in disease. Therefore, it has been classified as a Variant of Uncertain Significance.

GeneDx
Classification: Uncertain significance. Last evaluated: 2015-07-23. Review status: criteria provided, single submitter. Criteria: GeneDx Variant Classification (06012015). Collection method: clinical testing. Allele origin: germline. Affected: yes.
Comment: This variant is denoted MSH6 c.259A>T at the cDNA level, p.Ser87Cys (S87C) at the protein level, and results in the change of a Serine to a Cysteine (AGT>TGT). This variant has not, to our knowledge, been published in the literature as pathogenic or benign. MSH6 Ser87Cys was not observed in approximately 6,500 individuals of European and African American ancestry in the NHLBI Exome Sequencing Project, indicating it is not a common benign variant in these populations. Since Serine and Cysteine differ in polarity, charge, size or other properties, this is considered a non-conservative amino acid substitution. MSH6 Ser87Cys occurs at a position that is not conserved across species and is not located in a known functional domain (Terui 2013, UniProt). While protein-based in silico analyses are inconsistent regarding the effect this variant may have on protein structure and function, multiple splicing models predict that this variant may destroy the natural splice donor site for intron 1 and lead to abnormal splicing. However, in the absence of RNA or functional studies, the actual effect of this variant is unknown. Based on currently available information, it is unclear whether MSH6 Ser87Cys is pathogenic or benign. We consider it to be a variant of uncertain significance.